The following is an entry in ClinVar:

NM_006662.3(SRCAP):c.277C>A (p.His93Asn)

Gene: SRCAP (Snf2 related CREBBP activator protein; plus strand). Cytogenetic location: 16p11.2.
Variant type: single nucleotide variant.
Coding change: c.277C>A on transcript NM_006662.3 (MANE Select); coding-DNA position 277, C replaced by A.
Protein change: p.His93Asn; replaces histidine 93 with asparagine.
Molecular consequence: missense variant.
Genome position (GRCh38, 1-based): chr16:30,704,286, C>A. VCF-style: chr16-30704286-C-A. GRCh37 (hg19) VCF-style: chr16-30715607-C-A.
Other names: short protein forms H93N.
Identifiers: ClinVar variation 4847570 (VCV004847570.1).
Genomic context (GRCh38, chr16:30,704,286, plus strand): 5'-GGGTTCAGCTTATCCCAGGCTGCTGACCTGGCTAACAAGGGCCCGAAGTGGGAGAAGAGC[C>A]ATGCCGAAATTGCAGAACAGGCCAAGCATGTACGTATTAGAAAGGCTTATGAAGATTCTT-3'
Protein context (NP_006653.2, residues 83-103): ANKGPKWEKS[His93Asn]AEIAEQAKHE

ClinVar aggregate classification (germline): Uncertain significance (1 of 4 stars; one submission).

gnomAD v4.1: 2 of 1,612,412 alleles (0.00012%); highest among the groups gnomAD compares: Non-Finnish European, 0.00017%; no homozygotes.

Submission:

Women's Health and Genetics/Laboratory Corporation of America, LabCorp
Classification: Uncertain significance. Last evaluated: 2026-03-02. Review status: criteria provided, single submitter. Criteria: LabCorp Variant Classification Summary - May 2015. Collection method: clinical testing. Allele origin: germline.
Comment: Variant summary: SRCAP c.277C>A (p.His93Asn) results in a conservative amino acid change in the encoded protein sequence. Algorithms developed to predict the effect of missense changes on protein structure and function are either unavailable or do not agree on the potential impact of this missense change. The variant allele was found at a frequency of 4e-06 in 248476 control chromosomes. The available data on variant occurrences in the general population are insufficient to allow any conclusion about variant significance. To our knowledge, no occurrence of c.277C>A in individuals affected with SRCAP-related conditions and no experimental evidence demonstrating its impact on protein function have been reported. No submitters have cited clinical-significance assessments for this variant to ClinVar. Based on the evidence outlined above, the variant was classified as uncertain significance.